The following is an entry in ClinVar:

NM_001130987.2(DYSF):c.5563A>G (p.Ile1855Val)

Gene: DYSF (dysferlin; plus strand). Cytogenetic location: 2p13.2.
Variant type: single nucleotide variant.
Coding change: c.5563A>G on transcript NM_001130987.2 (MANE Select); coding-DNA position 5563, A replaced by G.
Protein change: p.Ile1855Val; replaces isoleucine 1855 with valine.
Molecular consequence: missense variant.
Genome position (GRCh38, 1-based): chr2:71,669,128, A>G. VCF-style: chr2-71669128-A-G. GRCh37 (hg19) VCF-style: chr2-71896258-A-G.
Other names: c.5449A>G, p.Ile1817Val (NM_001130455.2); c.5404A>G, p.Ile1802Val (NM_001130976.2); c.5467A>G, p.Ile1823Val (NM_001130977.2); c.5509A>G, p.Ile1837Val (NM_001130978.2); c.5539A>G, p.Ile1847Val (NM_001130979.2); c.5497A>G, p.Ile1833Val (NM_001130980.2); c.5560A>G, p.Ile1854Val (NM_001130981.2); c.5542A>G, p.Ile1848Val (NM_001130982.2); and 5 more; short protein forms I1824V, I1834V, I1848V, I1817V, I1833V, I1854V, I1802V, I1816V.
Identifiers: ClinVar variation 5008948 (VCV005008948.1).
Genomic context (GRCh38, chr2:71,669,128, plus strand): 5'-TTTGGTAGGAAATCTAGGTGGATTAGAGTGATACCTTTCCCCAGGTTTTTCCTGCGTTGT[A>G]TTATCTGGAATACCAGAGATGTGATCCTGGATGACCTGAGCCTCACGGGGGAGAAGATGA-3'
Protein context (NP_001124459.1, residues 1845-1865): RRARRFFLRC[Ile1855Val]IWNTRDVILD

ClinVar aggregate classification (germline): Uncertain significance (1 of 4 stars; one submission).

gnomAD v4.1: 1 of 1,604,966 alleles (0.000062%); highest among the groups gnomAD compares: African/African-American, 0.0013%; no homozygotes.

Submission:

GeneDx
Classification: Uncertain significance. Last evaluated: 2026-03-11. Review status: criteria provided, single submitter. Criteria: GeneDx Variant Classification Process June 2021. Collection method: clinical testing. Allele origin: germline.
Comment: Not observed at significant frequency in large population cohorts (gnomAD); In silico analysis suggests that this missense variant does not alter protein structure/function; Has not been previously published as pathogenic or benign to our knowledge; This variant is associated with the following publications: (PMID: 24438169)